The following is an entry in ClinVar:

NM_001018113.3(FANCB):c.1010G>A (p.Gly337Glu)

Gene: FANCB (FA complementation group B; minus strand). Cytogenetic location: Xp22.2.
Variant type: single nucleotide variant.
Coding change: c.1010G>A on transcript NM_001018113.3 (MANE Select); coding-DNA position 1010, G replaced by A.
Protein change: p.Gly337Glu; replaces glycine 337 with glutamic acid.
Molecular consequence: missense variant.
Genome position (GRCh38, 1-based): chrX:14,859,276, C>T on the plus strand (G>A on the coding strand, the complement: FANCB is on the minus strand). VCF-style: chrX-14859276-C-T. GRCh37 (hg19) VCF-style: chrX-14877398-C-T.
Other names: c.1010G>A, p.Gly337Glu (NM_001324162.2, NM_001410764.1, NM_152633.4); short protein forms G337E.
Identifiers: ClinVar variation 2102581 (VCV002102581.4), dbSNP rs2518993006, ClinGen allele CA412443193.

ClinVar aggregate classification (germline): Uncertain significance (1 of 4 stars; one submission).

Conditions:
Fanconi anemia (FA). Also called: Fanconi's anemia. Identifiers: Orphanet 84, MedGen C0015625, MeSH D005199, MONDO:0019391.

Submission:

Labcorp Genetics (formerly Invitae), Labcorp
Classification: Uncertain significance for Fanconi anemia. Last evaluated: 2022-05-10. Review status: criteria provided, single submitter. Criteria: Invitae Variant Classification Sherloc (09022015). Collection method: clinical testing. Allele origin: germline.
Comment: This variant has not been reported in the literature in individuals affected with FANCB-related conditions. Algorithms developed to predict the effect of missense changes on protein structure and function (SIFT, PolyPhen-2, Align-GVGD) all suggest that this variant is likely to be disruptive. In summary, the available evidence is currently insufficient to determine the role of this variant in disease. Therefore, it has been classified as a Variant of Uncertain Significance. This variant is not present in population databases (gnomAD no frequency). This sequence change replaces glycine, which is neutral and non-polar, with glutamic acid, which is acidic and polar, at codon 337 of the FANCB protein (p.Gly337Glu).